The following is an entry in ClinVar:

NM_001845.6(COL4A1):c.2458+5G>C

Gene: COL4A1 (collagen type IV alpha 1 chain; minus strand). Cytogenetic location: 13q34.
Variant type: single nucleotide variant.
Coding change: c.2458+5G>C on transcript NM_001845.6 (MANE Select); 5 bases into the intron after coding-DNA position 2458, G replaced by C.
Molecular consequence: intron variant.
Genome position (GRCh38, 1-based): chr13:110,178,918, C>G on the plus strand (G>C on the coding strand, the complement: COL4A1 is on the minus strand). VCF-style: chr13-110178918-C-G. GRCh37 (hg19) VCF-style: chr13-110831265-C-G.
Identifiers: ClinVar variation 2032280 (VCV002032280.4), dbSNP rs533363311, ClinGen allele CA2580087211.

ClinVar aggregate classification (germline): Uncertain significance (1 of 4 stars; one submission).

Submission:

Labcorp Genetics (formerly Invitae), Labcorp
Classification: Uncertain significance. Last evaluated: 2022-09-23. Review status: criteria provided, single submitter. Criteria: Invitae Variant Classification Sherloc (09022015). Collection method: clinical testing. Allele origin: germline.
Comment: This sequence change falls in intron 31 of the COL4A1 gene. It does not directly change the encoded amino acid sequence of the COL4A1 protein. It affects a nucleotide within the consensus splice site. This variant is not present in population databases (gnomAD no frequency). This variant has not been reported in the literature in individuals affected with COL4A1-related conditions. Variants that disrupt the consensus splice site are a relatively common cause of aberrant splicing (PMID: 17576681, 9536098). Algorithms developed to predict the effect of sequence changes on RNA splicing suggest that this variant is not likely to affect RNA splicing. In summary, the available evidence is currently insufficient to determine the role of this variant in disease. Therefore, it has been classified as a Variant of Uncertain Significance.

Literature cited by the submitters: PubMed 17576681; PubMed 9536098.